The following is an entry in ClinVar:

NM_025099.6(CTC1):c.3323T>C (p.Leu1108Pro)

Gene: CTC1 (CST telomere replication complex component 1; minus strand). Cytogenetic location: 17p13.1.
Variant type: single nucleotide variant.
Coding change: c.3323T>C on transcript NM_025099.6 (MANE Select); coding-DNA position 3323, T replaced by C.
Protein change: p.Leu1108Pro; replaces leucine 1108 with proline.
Molecular consequence: missense variant. On other transcripts: non-coding transcript variant (1).
Genome position (GRCh38, 1-based): chr17:8,228,791, A>G on the plus strand (T>C on the coding strand, the complement: CTC1 is on the minus strand). VCF-style: chr17-8228791-A-G. GRCh37 (hg19) VCF-style: chr17-8132109-A-G.
Other names: short protein forms L1108P.
Identifiers: ClinVar variation 968595 (VCV000968595.9), dbSNP rs1445322884, ClinGen allele CA397969235.

ClinVar aggregate classification (germline): Uncertain significance (1 of 4 stars; one submission).

Conditions:
Dyskeratosis congenita. Identifiers: Orphanet 1775, MedGen C0265965, MONDO:0015780.

Allele frequency attached by ClinVar (database versions not stated): TOPMed below 0.00001; gnomAD 0.00001; gnomAD exomes 0.00001.
gnomAD v4.1: 7 of 1,613,978 alleles (0.00043%); highest among the groups gnomAD compares: Non-Finnish European, 0.00059%; no homozygotes.

Submission:

Labcorp Genetics (formerly Invitae), Labcorp
Classification: Uncertain significance for Dyskeratosis congenita. Last evaluated: 2023-05-15. Review status: criteria provided, single submitter. Criteria: Invitae Variant Classification Sherloc (09022015). Collection method: clinical testing. Allele origin: germline.
Comment: This sequence change replaces leucine, which is neutral and non-polar, with proline, which is neutral and non-polar, at codon 1108 of the CTC1 protein (p.Leu1108Pro). This variant is not present in population databases (gnomAD no frequency). This variant has not been reported in the literature in individuals affected with CTC1-related conditions. ClinVar contains an entry for this variant (Variation ID: 968595). Advanced modeling of protein sequence and biophysical properties (such as structural, functional, and spatial information, amino acid conservation, physicochemical variation, residue mobility, and thermodynamic stability) performed at Invitae indicates that this missense variant is expected to disrupt CTC1 protein function. In summary, the available evidence is currently insufficient to determine the role of this variant in disease. Therefore, it has been classified as a Variant of Uncertain Significance.